The following is an entry in ClinVar:

NM_014727.3(KMT2B):c.4527C>T (p.Asp1509=)

Gene: KMT2B (lysine methyltransferase 2B; plus strand). Cytogenetic location: 19q13.12.
Variant type: single nucleotide variant.
Coding change: c.4527C>T on transcript NM_014727.3 (MANE Select); coding-DNA position 4527, C replaced by T.
Protein change: p.Asp1509=; no amino-acid change (aspartic acid 1509 retained).
Molecular consequence: synonymous variant.
Genome position (GRCh38, 1-based): chr19:35,728,127, C>T. VCF-style: chr19-35728127-C-T. GRCh37 (hg19) VCF-style: chr19-36219028-C-T.
Other names: c.4527C>T (NM_014727.2).
Identifiers: ClinVar variation 2186548 (VCV002186548.11), dbSNP rs779008537, ClinGen allele CA9385132.

ClinVar aggregate classification (germline): Benign/Likely benign. Review status: criteria provided, multiple submitters, no conflicts (2 of 4 stars). 4 submissions from 4 submitters: Benign (1); Likely benign (2). 1 of the submissions does not count toward it. Last evaluated 2026-05-01.

Conditions:
KMT2B-related disorder. Also called: KMT2B-related disorders; KMT2B-related condition. Identifiers: MedGen CN381338.

Allele frequency attached by ClinVar (database versions not stated): TOPMed 0.00002; gnomAD exomes 0.00004; gnomAD 0.00007; ExAC 0.00020.
gnomAD v4.1: 76 of 1,600,146 alleles (0.0047%); highest among the groups gnomAD compares: South Asian, 0.0091%; no homozygotes.

Submissions (4):

CeGaT Center for Human Genetics Tuebingen
Classification: Likely benign. Last evaluated: 2026-05-01. Review status: criteria provided, single submitter. Criteria: CeGaT Center For Human Genetics Tuebingen Variant Classification Criteria Version 2. Collection method: clinical testing. Allele origin: germline. Affected: yes. Observed: 2 variant alleles.
Comment: KMT2B: BP4, BP7

Labcorp Genetics (formerly Invitae), Labcorp
Classification: Benign. Last evaluated: 2025-04-17. Review status: criteria provided, single submitter. Criteria: Invitae Variant Classification Sherloc (09022015). Collection method: clinical testing. Allele origin: germline.

Blueprint Genetics
Classification: Likely benign. Last evaluated: 2024-11-27. Review status: criteria provided, single submitter. Criteria: ACMG Guidelines, 2015. Collection method: clinical testing. Allele origin: germline.

PreventionGenetics, part of Exact Sciences
Classification: Likely benign for KMT2B-related condition. Last evaluated: 2019-02-28. Review status: no assertion criteria provided. Collection method: clinical testing. Allele origin: germline. Not counted in ClinVar's aggregate classification.
Comment: This variant is classified as likely benign based on ACMG/AMP sequence variant interpretation guidelines (Richards et al. 2015 PMID: 25741868, with internal and published modifications).